The following is an entry in ClinVar:

ClinVar aggregate classification (germline): Uncertain significance (1 of 4 stars; one submission).

Allele frequency attached by ClinVar (database versions not stated): gnomAD 0.00001; TOPMed 0.00001; ExAC 0.00012.
gnomAD v4.1: 23 of 1,603,426 alleles (0.0014%); highest among the groups gnomAD compares: South Asian, 0.0056%; no homozygotes.

Submission:

Labcorp Genetics (formerly Invitae), Labcorp
Classification: Uncertain significance. Last evaluated: 2024-10-25. Review status: criteria provided, single submitter. Criteria: Invitae Variant Classification Sherloc (09022015). Collection method: clinical testing. Allele origin: germline.
Comment: This sequence change replaces arginine, which is basic and polar, with cysteine, which is neutral and slightly polar, at codon 33 of the CACNA2D4 protein (p.Arg33Cys). This variant is present in population databases (rs773822772, gnomAD 0.01%). This variant has not been reported in the literature in individuals affected with CACNA2D4-related conditions. ClinVar contains an entry for this variant (Variation ID: 1933870). An algorithm developed to predict the effect of missense changes on protein structure and function outputs the following: PolyPhen-2: "Benign". The cysteine amino acid residue is found in multiple mammalian species, which suggests that this missense change does not adversely affect protein function. In summary, the available evidence is currently insufficient to determine the role of this variant in disease. Therefore, it has been classified as a Variant of Uncertain Significance.

NM_172364.5(CACNA2D4):c.97C>T (p.Arg33Cys)

Gene: CACNA2D4 (calcium voltage-gated channel auxiliary subunit alpha2delta 4; minus strand). Cytogenetic location: 12p13.33.
Variant type: single nucleotide variant.
Coding change: c.97C>T on transcript NM_172364.5 (MANE Select); coding-DNA position 97, C replaced by T.
Protein change: p.Arg33Cys; replaces arginine 33 with cysteine.
Molecular consequence: missense variant.
Genome position (GRCh38, 1-based): chr12:1,918,377, G>A on the plus strand (C>T on the coding strand, the complement: CACNA2D4 is on the minus strand). VCF-style: chr12-1918377-G-A. GRCh37 (hg19) VCF-style: chr12-2027543-G-A.
Other names: short protein forms R33C.
Identifiers: ClinVar variation 1933870 (VCV001933870.5), dbSNP rs773822772, ClinGen allele CA6387684.